The following is an entry in ClinVar:

NM_000414.4(HSD17B4):c.58+194G>T

Gene: HSD17B4 (hydroxysteroid 17-beta dehydrogenase 4; plus strand). Cytogenetic location: 5q23.1.
Variant type: single nucleotide variant.
Coding change: c.58+194G>T on transcript NM_000414.4 (MANE Select); 194 bases into the intron after coding-DNA position 58, G replaced by T.
Molecular consequence: intron variant.
Genome position (GRCh38, 1-based): chr5:119,452,827, G>T. VCF-style: chr5-119452827-G-T. GRCh37 (hg19) VCF-style: chr5-118788522-G-T.
Other names: c.-424+6G>T (NM_001374503.1); c.68+6G>T (NM_001199291.3); c.-288+6G>T (NM_001374499.1); c.-359+6G>T (NM_001374502.1); c.-481+6G>T (NM_001374500.1); c.-354+6G>T (NM_001374501.1, NM_001292028.2); c.-80+194G>T (NM_001292027.2); c.58+194G>T (NM_001374498.1, NM_001374497.1, NM_001199292.2).
Identifiers: ClinVar variation 2312578 (VCV002312578.2), dbSNP rs1406515288, ClinGen allele CA562299402.

ClinVar aggregate classification (germline): Uncertain significance (1 of 4 stars; one submission).

Conditions:
Inborn genetic diseases. Identifiers: MedGen C0950123, MeSH D030342.

Allele frequency attached by ClinVar (database versions not stated): gnomAD 0.00001; gnomAD exomes 0.00001.
gnomAD v4.1: 4 of 1,535,990 alleles (0.00026%); highest among the groups gnomAD compares: Non-Finnish European, 0.00035%; no homozygotes.

Submission:

Ambry Genetics
Classification: Uncertain significance for Inborn genetic diseases. Last evaluated: 2022-10-11. Review status: criteria provided, single submitter. Criteria: Ambry Variant Classification Scheme 2023. Collection method: clinical testing. Allele origin: germline.
Comment: The c.68+6G>T intronic alteration consists of a G to T substitution nucleotides after coding exon 1 in the HSD17B4 gene. Based on insufficient or conflicting evidence, the clinical significance of this alteration remains unclear.